The following is an entry in ClinVar:

NM_000313.4(PROS1):c.1183A>G (p.Ile395Val)

Gene: PROS1 (protein S; minus strand). Cytogenetic location: 3q11.1.
Variant type: single nucleotide variant.
Coding change: c.1183A>G on transcript NM_000313.4 (MANE Select); coding-DNA position 1183, A replaced by G.
Protein change: p.Ile395Val; replaces isoleucine 395 with valine.
Molecular consequence: missense variant.
Genome position (GRCh38, 1-based): chr3:93,886,476, T>C on the plus strand (A>G on the coding strand, the complement: PROS1 is on the minus strand). VCF-style: chr3-93886476-T-C. GRCh37 (hg19) VCF-style: chr3-93605320-T-C.
Other names: c.1279A>G, p.Ile427Val (NM_001314077.2); short protein forms I395V, I427V.
Identifiers: ClinVar variation 216418 (VCV000216418.4), dbSNP rs368987511, ClinGen allele CA338647.

ClinVar aggregate classification (germline): Uncertain significance (1 of 4 stars; one submission).

Conditions:
Thrombophilia due to protein S deficiency, autosomal recessive (THPH6). Identifiers: Orphanet 743, MedGen C3281092, MONDO:0013791, OMIM 614514. Disease mechanism: loss of function.

Allele frequency attached by ClinVar (database versions not stated): ExAC 0.00005; gnomAD exomes 0.00006 and 0.00007; gnomAD 0.00007 and 0.00008; TOPMed 0.00007; ESP Exome Variant Server 0.00008.
gnomAD v4.1: 110 of 1,610,278 alleles (0.0068%); highest among the groups gnomAD compares: Non-Finnish European, 0.0087%; no homozygotes.

Submission:

Labcorp Genetics (formerly Invitae), Labcorp
Classification: Uncertain significance for Thrombophilia due to protein S deficiency, autosomal recessive. Last evaluated: 2024-05-29. Review status: criteria provided, single submitter. Criteria: Invitae Variant Classification Sherloc (09022015). Collection method: clinical testing. Allele origin: germline.
Comment: This sequence change replaces isoleucine, which is neutral and non-polar, with valine, which is neutral and non-polar, at codon 395 of the PROS1 protein (p.Ile395Val). This variant is present in population databases (rs368987511, gnomAD 0.01%). This variant has not been reported in the literature in individuals affected with PROS1-related conditions. ClinVar contains an entry for this variant (Variation ID: 216418). Advanced modeling of protein sequence and biophysical properties (such as structural, functional, and spatial information, amino acid conservation, physicochemical variation, residue mobility, and thermodynamic stability) performed at Invitae indicates that this missense variant is not expected to disrupt PROS1 protein function with a negative predictive value of 80%. In summary, the available evidence is currently insufficient to determine the role of this variant in disease. Therefore, it has been classified as a Variant of Uncertain Significance.